The following is an entry in ClinVar:

NM_014000.3(VCL):c.956G>A (p.Arg319Lys)

Gene: VCL (vinculin; plus strand). Cytogenetic location: 10q22.2.
Variant type: single nucleotide variant.
Coding change: c.956G>A on transcript NM_014000.3 (MANE Select); coding-DNA position 956, G replaced by A.
Protein change: p.Arg319Lys; replaces arginine 319 with lysine.
Molecular consequence: missense variant.
Genome position (GRCh38, 1-based): chr10:74,083,447, G>A. VCF-style: chr10-74083447-G-A. GRCh37 (hg19) VCF-style: chr10-75843205-G-A.
Other names: c.956G>A, p.Arg319Lys (NM_003373.4); short protein forms R319K.
Identifiers: ClinVar variation 4866404 (VCV004866404.1).

ClinVar aggregate classification (germline): Uncertain significance (1 of 4 stars; one submission).

Conditions:
Cardiovascular phenotype. Identifiers: MedGen CN230736.

Submission:

Ambry Genetics
Classification: Uncertain significance for Cardiovascular phenotype. Last evaluated: 2026-05-14. Review status: criteria provided, single submitter. Criteria: Ambry Variant Classification Scheme 2023. Collection method: clinical testing. Allele origin: germline.
Comment: The p.R319K variant (also known as c.956G>A), located in coding exon 8 of the VCL gene, results from a G to A substitution at nucleotide position 956. The arginine at codon 319 is replaced by lysine, an amino acid with highly similar properties. This amino acid position is conserved. In addition, this alteration is predicted to be tolerated by in silico analysis. Based on the available evidence, the clinical significance of this variant remains unclear.